The following is an entry in ClinVar:

NM_020812.4(DOCK6):c.427C>T (p.Arg143Trp)

Gene: DOCK6 (dedicator of cytokinesis 6; minus strand). Cytogenetic location: 19p13.2.
Variant type: single nucleotide variant.
Coding change: c.427C>T on transcript NM_020812.4 (MANE Select); coding-DNA position 427, C replaced by T.
Protein change: p.Arg143Trp; replaces arginine 143 with tryptophan.
Molecular consequence: missense variant.
Genome position (GRCh38, 1-based): chr19:11,252,199, G>A on the plus strand (C>T on the coding strand, the complement: DOCK6 is on the minus strand). VCF-style: chr19-11252199-G-A. GRCh37 (hg19) VCF-style: chr19-11362875-G-A.
Other names: c.427C>T, p.Arg143Trp (NM_001367830.1); c.427C>T (NM_020812.3); short protein forms R143W.
Identifiers: ClinVar variation 2056699 (VCV002056699.3), dbSNP rs868547243, ClinGen allele CA305348561.

ClinVar aggregate classification (germline): Uncertain significance. Review status: criteria provided, multiple submitters, no conflicts (2 of 4 stars). 2 submissions from 2 submitters: Uncertain significance (2). Last evaluated 2025-02-24.

Allele frequency attached by ClinVar (database versions not stated): TOPMed below 0.00001; gnomAD 0.00002.
gnomAD v4.1: 8 of 1,582,554 alleles (0.00051%); highest among the groups gnomAD compares: East Asian, 0.0046%; no homozygotes.

Submissions (2):

Labcorp Genetics (formerly Invitae), Labcorp
Classification: Uncertain significance. Last evaluated: 2025-02-24. Review status: criteria provided, single submitter. Criteria: Invitae Variant Classification Sherloc (09022015). Collection method: clinical testing. Allele origin: germline.
Comment: This sequence change replaces arginine, which is basic and polar, with tryptophan, which is neutral and slightly polar, at codon 143 of the DOCK6 protein (p.Arg143Trp). The frequency data for this variant in the population databases is considered unreliable, as metrics indicate poor data quality at this position in the gnomAD database. This variant has not been reported in the literature in individuals affected with DOCK6-related conditions. ClinVar contains an entry for this variant (Variation ID: 2056699). Invitae Evidence Modeling of protein sequence and biophysical properties (such as structural, functional, and spatial information, amino acid conservation, physicochemical variation, residue mobility, and thermodynamic stability) indicates that this missense variant is not expected to disrupt DOCK6 protein function with a negative predictive value of 80%. In summary, the available evidence is currently insufficient to determine the role of this variant in disease. Therefore, it has been classified as a Variant of Uncertain Significance.

GeneDx
Classification: Uncertain significance. Last evaluated: 2024-09-10. Review status: criteria provided, single submitter. Criteria: GeneDx Variant Classification Process June 2021. Collection method: clinical testing. Allele origin: germline. Affected: yes.
Comment: Not observed at significant frequency in large population cohorts (gnomAD); In silico analysis supports that this missense variant has a deleterious effect on protein structure/function; Has not been previously published as pathogenic or benign to our knowledge